The following is an entry in ClinVar:

ClinVar aggregate classification (germline): Uncertain significance (1 of 4 stars; one submission).

Conditions:
Ataxia-telangiectasia syndrome (AT). Also called: LOUIS-BAR SYNDROME; Cerebello-oculocutaneous telangiectasia; Immunodeficiency with ataxia telangiectasia; Ataxia telangiectasia (A-T); Ataxia-telangiectasia, complementation group D; AT, COMPLEMENTATION GROUP C. Identifiers: Orphanet 100, MedGen C0004135, MONDO:0008840, OMIM 208900.

Submission:

Labcorp Genetics (formerly Invitae), Labcorp
Classification: Uncertain significance for Ataxia-telangiectasia syndrome. Last evaluated: 2023-04-06. Review status: criteria provided, single submitter. Criteria: Invitae Variant Classification Sherloc (09022015). Collection method: clinical testing. Allele origin: germline.
Comment: This sequence change falls in intron 47 of the ATM gene. It does not directly change the encoded amino acid sequence of the ATM protein. It affects a nucleotide within the consensus splice site. This variant is present in population databases (no rsID available, gnomAD 0.01%). This variant has not been reported in the literature in individuals affected with ATM-related conditions. Variants that disrupt the consensus splice site are a relatively common cause of aberrant splicing (PMID: 17576681, 9536098). Algorithms developed to predict the effect of sequence changes on RNA splicing suggest that this variant may disrupt the consensus splice site. In summary, the available evidence is currently insufficient to determine the role of this variant in disease. Therefore, it has been classified as a Variant of Uncertain Significance.

Literature cited by the submitters: PubMed 17576681; PubMed 9536098.

NM_000051.4(ATM):c.6975+4del

Genes: ATM (ATM serine/threonine kinase; plus strand), C11orf65 (chromosome 11 open reading frame 65; minus strand). Cytogenetic location: 11q22.3.
Variant type: Deletion.
Coding change: c.6975+4del on transcript NM_000051.4 (MANE Select); 4 bases into the intron after coding-DNA position 6975, one base deleted (T; older notation c.6975+4delT).
Molecular consequence: splice donor variant. On other transcripts: intron variant (2).
Genome position (GRCh38, 1-based): chr11:108,326,229, T deleted; the last of 3 consecutive T bases (chr11:108,326,227-108,326,229); deleting any one gives the same sequence. VCF-style (leftmost placement, unchanged base first): chr11-108326226-GT-G. GRCh37 (hg19) VCF-style: chr11-108196953-GT-G.
Other names: c.6975+4del (NM_001351834.2); c.641-17156del (NM_001330368.2); c.*38+8993del (NM_001351110.2).
Identifiers: ClinVar variation 2853003 (VCV002853003.3), dbSNP rs1429066746, ClinGen allele CA601726252.